The following is an entry in ClinVar:

ClinVar aggregate classification (germline): Conflicting classifications of pathogenicity. Review status: criteria provided, conflicting classifications (1 of 4 stars). 14 submissions from 13 submitters: Uncertain significance (3); Benign (3); Likely benign (5). 3 of the submissions do not count toward it. Last evaluated 2026-07-01.

Conditions:
Meniere disease. Also called: Ménière's disease. Identifiers: MedGen C0025281, MONDO:0007972, OMIM 156000.
CDH23-related disorder. Also called: CDH23-related disorders; CDH23-related condition.
Usher syndrome type 1 (USH1). Also called: RETINITIS PIGMENTOSA AND CONGENITAL DEAFNESS. Identifiers: Orphanet 231169, Orphanet 886, MedGen C1568247, MONDO:0010168, OMIM 276900.
Autosomal recessive nonsyndromic hearing loss 12. Also called: DEAFNESS, AUTOSOMAL RECESSIVE 12. Identifiers: Orphanet 90636, MedGen C1832394, MONDO:0011067, OMIM 601386.
Usher syndrome type 1D (USH1D). Also called: USHER SYNDROME, TYPE ID. Identifiers: Orphanet 231169, Orphanet 886, MedGen C1832845, MONDO:0010984, OMIM 601067.

Allele frequency attached by ClinVar (database versions not stated): ExAC 0.00282; TOPMed 0.00332; 1000 Genomes Project 30x 0.00125; gnomAD exomes 0.00293 and 0.00530; ESP Exome Variant Server 0.00345; gnomAD 0.00347 and 0.00336; 1000 Genomes Project 0.00120.
gnomAD v4.1: 8,233 of 1,613,988 alleles (0.51%); highest among the groups gnomAD compares: Non-Finnish European, 0.64%; 22 homozygotes.

Submissions (14):

CeGaT Center for Human Genetics Tuebingen
Classification: Likely benign. Last evaluated: 2026-07-01. Review status: criteria provided, single submitter. Criteria: CeGaT Center For Human Genetics Tuebingen Variant Classification Criteria Version 2. Collection method: clinical testing. Allele origin: germline. Affected: yes. Observed: 15 variant alleles.
Comment: CDH23: BS2

Labcorp Genetics (formerly Invitae), Labcorp
Classification: Likely benign. Last evaluated: 2026-02-02. Review status: criteria provided, single submitter. Criteria: Invitae Variant Classification Sherloc (09022015). Collection method: clinical testing. Allele origin: germline.

PreventionGenetics, part of Exact Sciences
Classification: Likely benign for CDH23-related condition. Last evaluated: 2025-11-21. Review status: criteria provided, single submitter. Criteria: ACMG Guidelines, 2015. Collection method: clinical testing. Allele origin: germline.
Comment: This variant is classified as likely benign based on ACMG/AMP sequence variant interpretation guidelines (Richards et al. 2015 PMID: 25741868, with internal and published modifications).

Blueprint Genetics
Classification: Likely benign. Last evaluated: 2024-11-27. Review status: criteria provided, single submitter. Criteria: ACMG Guidelines, 2015. Collection method: clinical testing. Allele origin: germline.

Women's Health and Genetics/Laboratory Corporation of America, LabCorp
Classification: Benign. Last evaluated: 2022-05-17. Review status: criteria provided, single submitter. Criteria: LabCorp Variant Classification Summary - May 2015. Collection method: clinical testing. Allele origin: germline.
Comment: Variant summary: CDH23 c.3845A>G (p.Asn1282Ser) results in a conservative amino acid change in the encoded protein sequence. Three of five in-silico tools predict a benign effect of the variant on protein function. The variant allele was found at a frequency of 0.0029 in 249260 control chromosomes, predominantly at a frequency of 0.0053 within the Non-Finnish European subpopulation in the gnomAD database, including 1 homozygote. The observed variant frequency within Non-Finnish European control individuals in the gnomAD database is approximately 2 fold of the estimated maximal expected allele frequency for a pathogenic variant in CDH23 causing Usher Syndrome phenotype (0.0032), strongly suggesting that the variant is a benign polymorphism found primarily in populations of Non-Finnish European origin. To our knowledge, no experimental evidence demonstrating its impact on protein function have been reported. Six ClinVar submitters (evaluation after 2014) cite the variant as uncertain significance (n=2), likely benign (n=2) and benign (n=2). Based on the evidence outlined above, the variant was classified as benign.

Otology & Neurotology- Genomics of vestibular disorders (CTS-495), Jose Antonio López Escámez, Centro Pfizer - Universidad de Granada - Junta de Andalucía de Genómica e Investigación Oncológica (GENYO)
Classification: Uncertain significance for Meniere disease. Last evaluated: 2021-06-21. Review status: criteria provided, single submitter. Criteria: ACMG Guidelines, 2015. Collection method: case-control. Allele origin: inherited. Affected: yes.
Comment: Digenic inheritance along with NM_000260.4:c.1007G>A(MYO7A)

GeneDx
Classification: Benign. Last evaluated: 2021-02-23. Review status: criteria provided, single submitter. Criteria: GeneDx Variant Classification Process June 2021. Collection method: clinical testing. Allele origin: germline. Affected: yes.
Comment: In silico analysis, which includes protein predictors and evolutionary conservation, supports that this variant does not alter protein structure/function; This variant is associated with the following publications: (PMID: 18429043, 26969326, 24729539, 32707200)

Illumina Laboratory Services, Illumina
Classification: Uncertain significance for Autosomal recessive nonsyndromic hearing loss 12. Last evaluated: 2018-01-13. Review status: criteria provided, single submitter. Criteria: ICSL Variant Classification Criteria 13 December 2019. Collection method: clinical testing. Allele origin: germline.

Illumina Laboratory Services, Illumina
Classification: Uncertain significance for Usher syndrome type 1D. Last evaluated: 2018-01-13. Review status: criteria provided, single submitter. Criteria: ICSL Variant Classification Criteria 13 December 2019. Collection method: clinical testing. Allele origin: germline.

Eurofins Ntd Llc (ga)
Classification: Likely benign. Last evaluated: 2015-10-20. Review status: criteria provided, single submitter. Criteria: EGL Classification Definitions 2015. Collection method: clinical testing. Allele origin: germline. Observed: 1 variant allele, 1 heterozygote.

Laboratory for Molecular Medicine, Mass General Brigham Personalized Medicine
Classification: Benign. Last evaluated: 2014-01-02. Review status: criteria provided, single submitter. Criteria: LMM Criteria. Collection method: clinical testing. Allele origin: germline. Observed: 19 variant alleles.
Comment: Asn1282Ser in CDH23: This variant is not expected to have clinical significance because it has been identified in 0.5% (40/8452) of European American chromosome s and 0.01% (4/4286) African American chromosomes by the NHLBI Exome Sequencing Project (rs149073355, Oshima 2008).

Natera, Inc.
Classification: Benign for Usher syndrome type 1. Last evaluated: 2020-01-01. Review status: no assertion criteria provided. Collection method: clinical testing. Allele origin: germline. Not counted in ClinVar's aggregate classification.

Joint Genome Diagnostic Labs from Nijmegen and Maastricht, Radboudumc and MUMC+
Classification: Likely benign. Review status: no assertion criteria provided. Collection method: clinical testing. Allele origin: germline. Affected: yes. Study: VKGL Data-share Consensus. Not counted in ClinVar's aggregate classification.

Laboratory of Diagnostic Genome Analysis, Leiden University Medical Center (LUMC)
Classification: Likely benign. Review status: no assertion criteria provided. Collection method: clinical testing. Allele origin: germline. Affected: yes. Study: VKGL Data-share Consensus. Not counted in ClinVar's aggregate classification.

Literature cited by the submitters: PubMed 18429043 (cited by Laboratory for Molecular Medicine, Mass General Brigham Personalized Medicine).

NM_022124.6(CDH23):c.3845A>G (p.Asn1282Ser)

Genes: C10orf105 (chromosome 10 open reading frame 105; minus strand), CDH23 (cadherin related 23; plus strand). Cytogenetic location: 10q22.1.
Variant type: single nucleotide variant.
Coding change: c.3845A>G on transcript NM_022124.6 (MANE Select); coding-DNA position 3845, A replaced by G.
Protein change: p.Asn1282Ser; replaces asparagine 1282 with serine.
Molecular consequence: missense variant. On other transcripts: intron variant (1).
Genome position (GRCh38, 1-based): chr10:71,732,116, A>G. VCF-style: chr10-71732116-A-G. GRCh37 (hg19) VCF-style: chr10-73491873-A-G.
Other names: c.3845A>G, p.Asn1282Ser (NM_001171930.2); c.-6+5612T>C (NM_001168390.2); short protein forms N1282S.
Identifiers: ClinVar variation 45931 (VCV000045931.56), dbSNP rs149073355, ClinGen allele CA137396.